The following is an entry in ClinVar:

NM_001673.5(ASNS):c.1192dup (p.Tyr398fs)

Genes: ASNS (asparagine synthetase (glutamine-hydrolyzing); minus strand), CZ1P-ASNS (CZ1P-ASNS readthrough; minus strand). Cytogenetic location: 7q21.3.
Variant type: Duplication.
Coding change: c.1192dup on transcript NM_001673.5 (MANE Select); coding-DNA position 1192, one base duplicated (T; older notation c.1192dupT).
Protein change: p.Tyr398fs; shifts the reading frame from tyrosine 398.
Molecular consequence: frameshift variant. On other transcripts: non-coding transcript variant (1).
Genome position (GRCh38, 1-based): chr7:97,854,626, A duplicated on the plus strand (T on the coding strand, the reverse complement: ASNS is on the minus strand). VCF-style (leftmost placement, unchanged base first): chr7-97854625-T-TA. GRCh37 (hg19) VCF-style: chr7-97483937-T-TA.
Other names: c.1129dup, p.Tyr377fs (NM_001178075.2); c.943dup, p.Tyr315fs (NM_001178076.2, NM_001178077.1); c.1192dup, p.Tyr398fs (NM_001352496.2, NM_133436.3, NM_183356.4); short protein forms Y315fs, Y398fs, Y377fs.
Identifiers: ClinVar variation 377228 (VCV000377228.10), dbSNP rs773348232, ClinGen allele CA4354572.
Genomic context (GRCh38, chr7:97,854,625, plus strand): 5'-CTCTAAAAATATTACCCATGGGCAGCAGTAGTTCGATCTGCGCGGAGAACATCAAACAAA[T>TA]AGAGTTCCCTCAGAAGCCTCTCACTCTCCTCCTCGGCTTTTTCAGGAGAAGGAGCCTATT-3'

ClinVar aggregate classification (germline): Pathogenic/Likely pathogenic. Review status: criteria provided, multiple submitters, no conflicts (2 of 4 stars). 5 submissions from 5 submitters: Pathogenic (3); Likely pathogenic (1). 1 of the submissions does not count toward it. Last evaluated 2024-11-21.

Conditions:
Congenital microcephaly - severe encephalopathy - progressive cerebral atrophy syndrome. Also called: ASNS DEFICIENCY; Asparagine synthetase deficiency. Identifiers: Orphanet 391376, MedGen C3809971, MONDO:0014258, OMIM 615574.

Allele frequency attached by ClinVar (database versions not stated): ExAC 0.00001; gnomAD exomes 0.00001.

Submissions (5):

Revvity Omics, Revvity
Classification: Pathogenic for Congenital microcephaly - severe encephalopathy - progressive cerebral atrophy syndrome. Last evaluated: 2024-11-21. Review status: criteria provided, single submitter. Criteria: ACMG Guidelines, 2015. Collection method: clinical testing. Allele origin: germline.

Myriad Genetics, Inc.
Classification: Pathogenic for Congenital microcephaly - severe encephalopathy - progressive cerebral atrophy syndrome. Last evaluated: 2024-05-14. Review status: criteria provided, single submitter. Criteria: Myriad Autosomal Dominant, Autosomal Recessive and X-Linked Classification Criteria (2023). Collection method: clinical testing. Allele origin: unknown.
Comment: NM_001673.4(ASNS):c.1192dupT(Y398Lfs*4) is expected to be pathogenic in the context of asparagine synthetase deficiency. This variant is predicted to lead to an abnormal or absent protein product due to the creation of a premature termination codon in ASNS, a gene where loss-of-function variants are known to be pathogenic. Please note: this variant was assessed in the context of healthy population screening.

Labcorp Genetics (formerly Invitae), Labcorp
Classification: Pathogenic. Last evaluated: 2021-04-10. Review status: criteria provided, single submitter. Criteria: Invitae Variant Classification Sherloc (09022015). Collection method: clinical testing. Allele origin: germline.
Comment: For these reasons, this variant has been classified as Pathogenic. This variant has not been reported in the literature in individuals with ASNS-related conditions. ClinVar contains an entry for this variant (Variation ID: 377228). This variant is present in population databases (rs773348232, ExAC 0.001%). This sequence change creates a premature translational stop signal (p.Tyr398Leufs*4) in the ASNS gene. It is expected to result in an absent or disrupted protein product. Loss-of-function variants in ASNS are known to be pathogenic (PMID: 27422383, 30057589).

Center for Pediatric Genomic Medicine, Children's Mercy Hospital and Clinics
Classification: Likely pathogenic. Last evaluated: 2016-10-14. Review status: criteria provided, single submitter. Criteria: ACMG Guidelines, 2015. Collection method: clinical testing. Allele origin: germline.

Natera, Inc.
Classification: Likely pathogenic for Asparagine synthetase deficiency. Last evaluated: 2021-02-02. Review status: no assertion criteria provided. Collection method: clinical testing. Allele origin: germline. Not counted in ClinVar's aggregate classification.

Literature cited by the submitters: PubMed 27422383 (cited by Labcorp Genetics (formerly Invitae), Labcorp); PubMed 30057589 (cited by Labcorp Genetics (formerly Invitae), Labcorp).